The following is an entry in ClinVar:

NM_001003841.3(SLC6A19):c.1539G>C (p.Arg513Ser)

Gene: SLC6A19 (solute carrier family 6 member 19; plus strand). Cytogenetic location: 5p15.33.
Variant type: single nucleotide variant.
Coding change: c.1539G>C on transcript NM_001003841.3 (MANE Select); coding-DNA position 1539, G replaced by C.
Protein change: p.Arg513Ser; replaces arginine 513 with serine.
Molecular consequence: missense variant.
Genome position (GRCh38, 1-based): chr5:1,221,151, G>C. VCF-style: chr5-1221151-G-C. GRCh37 (hg19) VCF-style: chr5-1221266-G-C.
Other names: short protein forms R513S.
Identifiers: ClinVar variation 1940075 (VCV001940075.6), dbSNP rs374527866, ClinGen allele CA112948769.

ClinVar aggregate classification (germline): Uncertain significance. Review status: criteria provided, multiple submitters, no conflicts (2 of 4 stars). 2 submissions from 2 submitters: Uncertain significance (2). Last evaluated 2024-02-06.

Conditions:
Neutral 1 amino acid transport defect (HND). Also called: HARTNUP DISORDER; Hartnup disease. Identifiers: Orphanet 2116, MedGen C0018609, MONDO:0009324, OMIM 234500.

gnomAD v4.1: 5 of 1,613,366 alleles (0.00031%); highest among the groups gnomAD compares: Admixed American, 0.005%; no homozygotes.

Submissions (2):

Fulgent Genetics
Classification: Uncertain significance for Neutral 1 amino acid transport defect. Last evaluated: 2024-02-06. Review status: criteria provided, single submitter. Criteria: ACMG Guidelines, 2015. Collection method: clinical testing. Allele origin: germline.

Labcorp Genetics (formerly Invitae), Labcorp
Classification: Uncertain significance. Last evaluated: 2022-08-01. Review status: criteria provided, single submitter. Criteria: Invitae Variant Classification Sherloc (09022015). Collection method: clinical testing. Allele origin: germline.
Comment: This sequence change replaces arginine, which is basic and polar, with serine, which is neutral and polar, at codon 513 of the SLC6A19 protein (p.Arg513Ser). In summary, the available evidence is currently insufficient to determine the role of this variant in disease. Therefore, it has been classified as a Variant of Uncertain Significance. Algorithms developed to predict the effect of sequence changes on RNA splicing suggest that this variant may create or strengthen a splice site. Algorithms developed to predict the effect of missense changes on protein structure and function (SIFT, PolyPhen-2, Align-GVGD) all suggest that this variant is likely to be disruptive. This variant has not been reported in the literature in individuals affected with SLC6A19-related conditions. This variant is present in population databases (no rsID available, gnomAD 0.006%).